The following is an entry in ClinVar:

NM_001378414.1(HDAC4):c.1199C>T (p.Ser400Leu)

Gene: HDAC4 (histone deacetylase 4; minus strand). Cytogenetic location: 2q37.3.
Variant type: single nucleotide variant.
Coding change: c.1199C>T on transcript NM_001378414.1 (MANE Select); coding-DNA position 1199, C replaced by T.
Protein change: p.Ser400Leu; replaces serine 400 with leucine.
Molecular consequence: missense variant.
Genome position (GRCh38, 1-based): chr2:239,134,340, G>A on the plus strand (C>T on the coding strand, the complement: HDAC4 is on the minus strand). VCF-style: chr2-239134340-G-A. GRCh37 (hg19) VCF-style: chr2-240056036-G-A.
Other names: c.1199C>T, p.Ser400Leu (NM_001378415.1, NM_001378416.1, NM_001378417.1 and 1 more transcripts); c.1199C>T (NM_006037.3); short protein forms S400L.
Identifiers: ClinVar variation 2191866 (VCV002191866.5), dbSNP rs746819923, ClinGen allele CA2199884.

ClinVar aggregate classification (germline): Likely benign. Review status: criteria provided, multiple submitters, no conflicts (2 of 4 stars). 2 submissions from 2 submitters: Likely benign (2). Last evaluated 2024-10-20.

Conditions:
HDAC4-related disorder. Also called: HDAC4-related condition.

Allele frequency attached by ClinVar (database versions not stated): gnomAD 0.00008; gnomAD exomes 0.00011; TOPMed 0.00013; ExAC 0.00015.
gnomAD v4.1: 172 of 1,613,908 alleles (0.011%); highest among the groups gnomAD compares: Admixed American, 0.082%; 3 homozygotes.

Submissions (2):

PreventionGenetics, part of Exact Sciences
Classification: Likely benign for HDAC4-related condition. Last evaluated: 2024-10-20. Review status: criteria provided, single submitter. Criteria: ACMG Guidelines, 2015. Collection method: clinical testing. Allele origin: germline.
Comment: This variant is classified as likely benign based on ACMG/AMP sequence variant interpretation guidelines (Richards et al. 2015 PMID: 25741868, with internal and published modifications).

Labcorp Genetics (formerly Invitae), Labcorp
Classification: Likely benign. Last evaluated: 2024-03-10. Review status: criteria provided, single submitter. Criteria: Invitae Variant Classification Sherloc (09022015). Collection method: clinical testing. Allele origin: germline.